The following is an entry in ClinVar:

NM_130839.5(UBE3A):c.2124+6_2124+9del

Genes: SNHG14 (small nucleolar RNA host gene 14; plus strand), UBE3A (ubiquitin protein ligase E3A; minus strand). Cytogenetic location: 15q11.2.
Variant type: Deletion.
Coding change: c.2124+6_2124+9del on transcript NM_130839.5 (MANE Select); bases 6 to 9 of the intron after coding-DNA position 2124, 4 bases deleted (AAAT; older notation c.2124+6_2124+9delAAAT).
Molecular consequence: intron variant.
Genome position (GRCh38, 1-based): chr15:25,355,883-25,355,886, ATTT deleted on the plus strand (AAAT on the coding strand, the reverse complement: UBE3A is on the minus strand); deleting any 4 consecutive bases within chr15:25,355,883-25,355,889 gives the same sequence; the c. name uses the placement nearest the transcript's 3' end. VCF-style (leftmost placement, unchanged base first): chr15-25355882-CATTT-C. GRCh37 (hg19) VCF-style: chr15-25601029-CATTT-C.
Other names: c.1947+6_1947+9del (NM_001354546.2); c.813+6_813+9del (NM_001354551.2); c.1899+805_1899+808del (NM_001354549.2); c.2064+6_2064+9del (NM_001354548.2, NM_130838.4, NM_001354542.2 and 16 more transcripts); c.873+6_873+9del (NM_001354550.2); c.2124+6_2124+9del (NM_001354545.2, NM_001354538.2, NM_001354505.1); c.2133+6_2133+9del (NM_000462.5).
Identifiers: ClinVar variation 951417 (VCV000951417.9), dbSNP rs756899000, ClinGen allele CA7435439.
Genomic context (GRCh38, chr15:25,355,882, plus strand): 5'-AAAATTATAAGCATACATGCTTTGAAAGTGTTAATGAAGAGACAAAATGTGACATAAAAA[CATTT>C]ATTACCTTCCTGTTTTCATTTGTAATTGGAATTTTATCACCATTTTCCTTTAGATCATAC-3'

ClinVar aggregate classification (germline): Uncertain significance (1 of 4 stars; one submission).

Conditions:
Angelman syndrome (AS). Also called: HAPPY PUPPET SYNDROME. Identifiers: Orphanet 72, MedGen C0162635, MONDO:0007113, OMIM 105830. Disease mechanism: loss of function. Inheritance: AS is caused by disruption of maternally imprinted UBE3A located within the 15q11.2-q13 Angelman syndrome/Prader-Willi syndrome (AS/PWS) region., imprinting disorder.

Submission:

Labcorp Genetics (formerly Invitae), Labcorp
Classification: Uncertain significance for Angelman syndrome. Last evaluated: 2023-02-16. Review status: criteria provided, single submitter. Criteria: Invitae Variant Classification Sherloc (09022015). Collection method: clinical testing. Allele origin: germline.
Comment: This variant is present in population databases (rs756899000, gnomAD 0.002%). This sequence change falls in intron 6 of the UBE3A gene. It does not directly change the encoded amino acid sequence of the UBE3A protein. It affects a nucleotide within the consensus splice site. This variant has not been reported in the literature in individuals affected with UBE3A-related conditions. ClinVar contains an entry for this variant (Variation ID: 951417). Variants that disrupt the consensus splice site are a relatively common cause of aberrant splicing (PMID: 17576681, 9536098). Algorithms developed to predict the effect of sequence changes on RNA splicing suggest that this variant is not likely to affect RNA splicing. In summary, the available evidence is currently insufficient to determine the role of this variant in disease. Therefore, it has been classified as a Variant of Uncertain Significance.

Literature cited by the submitters: PubMed 17576681; PubMed 9536098.